The following is an entry in ClinVar:

ClinVar aggregate classification (germline): Likely benign (1 of 4 stars; one submission).

gnomAD v4.1: 2 of 1,611,646 alleles (0.00012%); highest among the groups gnomAD compares: Admixed American, 0.0034%; no homozygotes.

Submission:

CeGaT Center for Human Genetics Tuebingen
Classification: Likely benign. Last evaluated: 2026-09-01. Review status: criteria provided, single submitter. Criteria: CeGaT Center For Human Genetics Tuebingen Variant Classification Criteria Version 2. Collection method: clinical testing. Allele origin: germline. Affected: yes. Observed: 1 variant allele.
Comment: CCND2: BP4, BP7

NM_001759.4(CCND2):c.711C>T (p.Asn237=)

Gene: CCND2 (cyclin D2; plus strand). Cytogenetic location: 12p13.32.
Variant type: single nucleotide variant.
Coding change: c.711C>T on transcript NM_001759.4 (MANE Select); coding-DNA position 711, C replaced by T.
Protein change: p.Asn237=; no amino-acid change (asparagine 237 retained).
Molecular consequence: synonymous variant.
Genome position (GRCh38, 1-based): chr12:4,288,981, C>T. VCF-style: chr12-4288981-C-T. GRCh37 (hg19) VCF-style: chr12-4398147-C-T.
Identifiers: ClinVar variation 5041148 (VCV005041148.1).